The following is an entry in ClinVar:

NM_007078.3(LDB3):c.645G>A (p.Gln215=)

Gene: LDB3 (LIM domain binding 3; plus strand). Cytogenetic location: 10q23.2.
Variant type: single nucleotide variant.
Coding change: c.645G>A on transcript NM_007078.3 (MANE Select); coding-DNA position 645, G replaced by A.
Protein change: p.Gln215=; no amino-acid change (glutamine 215 retained).
Molecular consequence: synonymous variant. On other transcripts: intron variant (5).
Genome position (GRCh38, 1-based): chr10:86,681,759, G>A. VCF-style: chr10-86681759-G-A. GRCh37 (hg19) VCF-style: chr10-88441516-G-A.
Other names: c.645G>A, p.Gln215= (NM_001080115.2, NM_001171610.2, NM_001171611.2 and 3 more transcripts); c.321+1602G>A (NM_001368068.1, NM_001368066.1, NM_001080114.2 and 2 more transcripts).
Identifiers: ClinVar variation 1090672 (VCV001090672.11), dbSNP rs957930268, ClinGen allele CA211212384.

ClinVar aggregate classification (germline): Conflicting classifications of pathogenicity. Review status: criteria provided, conflicting classifications (1 of 4 stars). 2 submissions from 2 submitters: Uncertain significance (1); Likely benign (1). Last evaluated 2025-04-23.

Conditions:
Myofibrillar myopathy 4. Also called: Zaspopathy (type). Identifiers: Orphanet 98912, MedGen C4721886, MONDO:0012277, OMIM 609452.
Cardiovascular phenotype. Identifiers: MedGen CN230736.

Allele frequency attached by ClinVar (database versions not stated): TOPMed below 0.00001; gnomAD 0.00001; gnomAD exomes 0.00001.
gnomAD v4.1: 8 of 1,603,096 alleles (0.0005%); highest among the groups gnomAD compares: Middle Eastern, 0.017%; no homozygotes.

Submissions (2):

Labcorp Genetics (formerly Invitae), Labcorp
Classification: Likely benign for Myofibrillar myopathy 4. Last evaluated: 2025-04-23. Review status: criteria provided, single submitter. Criteria: Invitae Variant Classification Sherloc (09022015). Collection method: clinical testing. Allele origin: germline.

Ambry Genetics
Classification: Uncertain significance for Cardiovascular phenotype. Last evaluated: 2022-03-16. Review status: criteria provided, single submitter. Criteria: Ambry Variant Classification Scheme 2023. Collection method: clinical testing. Allele origin: germline.
Comment: The c.645G>A variant (also known as p.Q215Q), located in coding exon 4 of the LDB3 gene, results from a G to A substitution at nucleotide position 645. This nucleotide substitution does not change the glutamine at codon 215. This nucleotide position is not well conserved in available vertebrate species. In silico splice site analysis for this alteration is inconclusive. Since supporting evidence is limited at this time, the clinical significance of this alteration remains unclear.